The following is an entry in ClinVar:

NM_000360.4(TH):c.24G>A (p.Thr8=)

Gene: TH (tyrosine hydroxylase; minus strand). Cytogenetic location: 11p15.5.
Variant type: single nucleotide variant.
Coding change: c.24G>A on transcript NM_000360.4 (MANE Select); coding-DNA position 24, G replaced by A.
Protein change: p.Thr8=; no amino-acid change (threonine 8 retained).
Molecular consequence: synonymous variant.
Genome position (GRCh38, 1-based): chr11:2,171,763, C>T on the plus strand (G>A on the coding strand, the complement: TH is on the minus strand). VCF-style: chr11-2171763-C-T. GRCh37 (hg19) VCF-style: chr11-2192993-C-T.
Other names: c.24G>A, p.Thr8= (NM_199292.3, NM_199293.3).
Identifiers: ClinVar variation 698725 (VCV000698725.38), dbSNP rs529205525, ClinGen allele CA5818885.

ClinVar aggregate classification (germline): Likely benign. Review status: criteria provided, multiple submitters, no conflicts (2 of 4 stars). 3 submissions from 3 submitters: Likely benign (2). 1 of the submissions does not count toward it. Last evaluated 2026-01-20.

Conditions:
TH-deficient dopa-responsive dystonia. Also called: Segawa syndrome, autosomal recessive; Tyrosine Hydroxylase-Deficient Dopa-Responsive Dystonia; DYT-TH. Identifiers: Orphanet 101150, MedGen C2673535, MONDO:0011551, OMIM 605407.

Allele frequency attached by ClinVar (database versions not stated): 1000 Genomes Project 0.00020; gnomAD 0.00004 and 0.00005; TOPMed 0.00005; 1000 Genomes Project 30x 0.00016.
gnomAD v4.1: 50 of 1,612,508 alleles (0.0031%); highest among the groups gnomAD compares: South Asian, 0.022%; 2 homozygotes.

Submissions (3):

Labcorp Genetics (formerly Invitae), Labcorp
Classification: Likely benign for TH-deficient dopa-responsive dystonia. Last evaluated: 2026-01-20. Review status: criteria provided, single submitter. Criteria: Invitae Variant Classification Sherloc (09022015). Collection method: clinical testing. Allele origin: germline.

CeGaT Center for Human Genetics Tuebingen
Classification: Likely benign. Last evaluated: 2023-04-01. Review status: criteria provided, single submitter. Criteria: CeGaT Center For Human Genetics Tuebingen Variant Classification Criteria Version 2. Collection method: clinical testing. Allele origin: germline. Affected: yes. Observed: 1 variant allele.
Comment: TH: BP4, BP7

Natera, Inc.
Classification: Likely benign for Autosomal recessive Segawa syndrome. Last evaluated: 2020-02-02. Review status: no assertion criteria provided. Collection method: clinical testing. Allele origin: germline. Not counted in ClinVar's aggregate classification.